The following is an entry in ClinVar:

NM_021625.5(TRPV4):c.389A>T (p.Lys130Met)

Gene: TRPV4 (transient receptor potential cation channel subfamily V member 4; minus strand). Cytogenetic location: 12q24.11.
Variant type: single nucleotide variant.
Coding change: c.389A>T on transcript NM_021625.5 (MANE Select); coding-DNA position 389, A replaced by T.
Protein change: p.Lys130Met; replaces lysine 130 with methionine.
Molecular consequence: missense variant.
Genome position (GRCh38, 1-based): chr12:109,808,466, T>A on the plus strand (A>T on the coding strand, the complement: TRPV4 is on the minus strand). VCF-style: chr12-109808466-T-A. GRCh37 (hg19) VCF-style: chr12-110246271-T-A.
Other names: c.389A>T, p.Lys130Met (NM_147204.3, NM_001177428.2, NM_001177433.2); c.287A>T, p.Lys96Met (NM_001177431.2); short protein forms K130M, K96M.
Identifiers: ClinVar variation 999803 (VCV000999803.8), dbSNP rs1891283509, ClinGen allele CA386657486.

ClinVar aggregate classification (germline): Uncertain significance (1 of 4 stars; one submission).

Conditions:
Charcot-Marie-Tooth disease axonal type 2C (HMSN2C). Also called: Charcot-Marie-Tooth Disease Type 2, TRPV4-Related (CMT2C); CHARCOT-MARIE-TOOTH DISEASE, AXONAL, AUTOSOMAL DOMINANT, TYPE 2C; Charcot-Marie-Tooth Neuropathy Type 2C. Identifiers: Orphanet 99937, MedGen C1853710, MONDO:0011633, OMIM 606071.

gnomAD v4.1: 1 of 1,611,288 alleles (0.000062%); no homozygotes.

Submission:

Labcorp Genetics (formerly Invitae), Labcorp
Classification: Uncertain significance for Charcot-Marie-Tooth disease axonal type 2C. Last evaluated: 2020-07-26. Review status: criteria provided, single submitter. Criteria: Invitae Variant Classification Sherloc (09022015). Collection method: clinical testing. Allele origin: germline.
Comment: In summary, the available evidence is currently insufficient to determine the role of this variant in disease. Therefore, it has been classified as a Variant of Uncertain Significance. Algorithms developed to predict the effect of missense changes on protein structure and function are either unavailable or do not agree on the potential impact of this missense change (SIFT: "Tolerated"; PolyPhen-2: "Possibly Damaging"; Align-GVGD: "Class C0"). This variant has not been reported in the literature in individuals with TRPV4-related conditions. This variant is not present in population databases (ExAC no frequency). This sequence change replaces lysine with methionine at codon 130 of the TRPV4 protein (p.Lys130Met). The lysine residue is weakly conserved and there is a moderate physicochemical difference between lysine and methionine.